The following is an entry in ClinVar:

NM_005876.5(SPEG):c.5680C>A (p.Pro1894Thr)

Genes: ASIC4-AS1 (ASIC4 antisense RNA 1; minus strand), SPEG (striated muscle enriched protein kinase; plus strand). Cytogenetic location: 2q35.
Variant type: single nucleotide variant.
Coding change: c.5680C>A on transcript NM_005876.5 (MANE Select); coding-DNA position 5680, C replaced by A.
Protein change: p.Pro1894Thr; replaces proline 1894 with threonine.
Molecular consequence: missense variant.
Genome position (GRCh38, 1-based): chr2:219,483,143, C>A. VCF-style: chr2-219483143-C-A. GRCh37 (hg19) VCF-style: chr2-220347865-C-A.
Other names: short protein forms P1894T.
Identifiers: ClinVar variation 1975008 (VCV001975008.5), dbSNP rs772234233, ClinGen allele CA2126925.

ClinVar aggregate classification (germline): Uncertain significance (1 of 4 stars; one submission).

Allele frequency attached by ClinVar (database versions not stated): gnomAD 0.00001; TOPMed 0.00001; ExAC 0.00002; gnomAD exomes 0.00003.
gnomAD v4.1: 40 of 1,609,130 alleles (0.0025%); highest among the groups gnomAD compares: East Asian, 0.089%; 1 homozygote.

Submission:

Labcorp Genetics (formerly Invitae), Labcorp
Classification: Uncertain significance. Last evaluated: 2022-07-12. Review status: criteria provided, single submitter. Criteria: Invitae Variant Classification Sherloc (09022015). Collection method: clinical testing. Allele origin: germline.
Comment: This variant has not been reported in the literature in individuals affected with SPEG-related conditions. Algorithms developed to predict the effect of missense changes on protein structure and function are either unavailable or do not agree on the potential impact of this missense change (SIFT: "Deleterious"; PolyPhen-2: "Probably Damaging"; Align-GVGD: "Class C0"). In summary, the available evidence is currently insufficient to determine the role of this variant in disease. Therefore, it has been classified as a Variant of Uncertain Significance. This sequence change replaces proline, which is neutral and non-polar, with threonine, which is neutral and polar, at codon 1894 of the SPEG protein (p.Pro1894Thr). This variant is present in population databases (rs772234233, gnomAD 0.02%).